The following is an entry in ClinVar:

NM_002985.3(CCL5):c.211C>T (p.Gln71Ter)

Genes: CCL5 (C-C motif chemokine ligand 5; minus strand), CCL5-AS1 (CCL5 regulatory antisense RNA 1; plus strand). Cytogenetic location: 17q12.
Variant type: single nucleotide variant.
Coding change: c.211C>T on transcript NM_002985.3 (MANE Select); coding-DNA position 211, C replaced by T.
Protein change: p.Gln71Ter; replaces glutamine 71 with a stop codon.
Molecular consequence: nonsense. On other transcripts: missense variant (1).
Genome position (GRCh38, 1-based): chr17:35,872,442, G>A on the plus strand (C>T on the coding strand, the complement: CCL5 is on the minus strand). VCF-style: chr17-35872442-G-A. GRCh37 (hg19) VCF-style: chr17-34199446-G-A.
Other names: c.293C>T, p.Pro98Leu (NM_001278736.2); short protein forms P98L, Q71*.
Identifiers: ClinVar variation 4880133 (VCV004880133.1).

ClinVar aggregate classification (germline): Uncertain significance (1 of 4 stars; one submission).

Conditions:
Primary ciliary dyskinesia. Also called: Ciliary dyskinesia. Identifiers: Orphanet 244, MedGen C0008780, MONDO:0016575, HP:0012265.

gnomAD v4.1: 104 of 1,613,904 alleles (0.0064%); highest among the groups gnomAD compares: Non-Finnish European, 0.0082%; no homozygotes.

Submission:

Department of Human Genetics, Hannover Medical School
Classification: Uncertain significance for Primary Ciliary Dyskinesia. Last evaluated: 2026-04-01. Review status: criteria provided, single submitter. Criteria: ACMG Guidelines, 2015. Collection method: research. Allele origin: germline. Affected: no.
Comment: Classification performed by HerediClassify using the following criteria:['PM2_supporting: Variant occures does not occur as homozygous in gnomAD.', 'PVS1_protein_strong: Transcript ENST00000605140 is not predicted to undergo NMD. Protein length change of 0.23076923076923073 observed.']